The following is an entry in ClinVar:

ClinVar aggregate classification (germline): Uncertain significance (1 of 4 stars; one submission).

gnomAD v4.1: 1 of 1,613,958 alleles (0.000062%); highest among the groups gnomAD compares: East Asian, 0.0022%; no homozygotes.

Submission:

Mayo Clinic Laboratories, Mayo Clinic
Classification: Uncertain significance. Last evaluated: 2024-08-16. Review status: criteria provided, single submitter. Criteria: ACMG Guidelines, 2015. Collection method: clinical testing. Allele origin: germline. Observed: 2 variant alleles.
Comment: PM2_supporting

NM_000312.4(PROC):c.1115A>G (p.Glu372Gly)

Gene: PROC (protein C, inactivator of coagulation factors Va and VIIIa; plus strand). Cytogenetic location: 2q14.3.
Variant type: single nucleotide variant.
Coding change: c.1115A>G on transcript NM_000312.4 (MANE Select); coding-DNA position 1115, A replaced by G.
Protein change: p.Glu372Gly; replaces glutamic acid 372 with glycine.
Molecular consequence: missense variant.
Genome position (GRCh38, 1-based): chr2:127,428,675, A>G. VCF-style: chr2-127428675-A-G. GRCh37 (hg19) VCF-style: chr2-128186251-A-G.
Other names: p.Glu372Gly; c.1298A>G, p.Glu433Gly (NM_001375602.1); c.1280A>G, p.Glu427Gly (NM_001375603.1); c.1178A>G, p.Glu393Gly (NM_001375604.1); c.1217A>G, p.Glu406Gly (NM_001375605.1); c.1283A>G, p.Glu428Gly (NM_001375606.1); c.1301A>G, p.Glu434Gly (NM_001375607.1); c.1058A>G, p.Glu353Gly (NM_001375608.1); and 3 more; short protein forms E353G, E364G, E370G, E372G, E393G, E406G, E427G, E428G.
Identifiers: ClinVar variation 3380836 (VCV003380836.2).